The following is an entry in ClinVar:

ClinVar aggregate classification (germline): Uncertain significance. Review status: criteria provided, multiple submitters, no conflicts (2 of 4 stars). 2 submissions from 2 submitters: Uncertain significance (2). Last evaluated 2024-03-14.

Conditions:
Congenital sensory neuropathy with selective loss of small myelinated fibers (HSAN5). Also called: HSAN Type V. Identifiers: Orphanet 64752, MedGen C0020075, MONDO:0012092, OMIM 608654.

Allele frequency attached by ClinVar (database versions not stated): gnomAD exomes below 0.00001.
gnomAD v4.1: 7 of 1,613,610 alleles (0.00043%); highest among the groups gnomAD compares: Non-Finnish European, 0.00059%; no homozygotes.

Submissions (2):

Genomic Medicine Center of Excellence, King Faisal Specialist Hospital and Research Centre
Classification: Uncertain significance. Last evaluated: 2024-03-14. Review status: criteria provided, single submitter. Criteria: ACMG Guidelines, 2015. Collection method: clinical testing. Allele origin: germline.

Labcorp Genetics (formerly Invitae), Labcorp
Classification: Uncertain significance for Congenital sensory neuropathy with selective loss of small myelinated fibers. Last evaluated: 2022-05-01. Review status: criteria provided, single submitter. Criteria: Invitae Variant Classification Sherloc (09022015). Collection method: clinical testing. Allele origin: germline.
Comment: This sequence change replaces arginine, which is basic and polar, with tryptophan, which is neutral and slightly polar, at codon 121 of the NGF protein (p.Arg121Trp). This variant is present in population databases (no rsID available, gnomAD 0.0009%). This missense change has been observed in individual(s) with autosomal recessive hereditary sensory and autonomic neuropathy type 5 (PMID: 30296891). Algorithms developed to predict the effect of missense changes on protein structure and function (SIFT, PolyPhen-2, Align-GVGD) all suggest that this variant is likely to be disruptive. Experimental studies have shown that this missense change affects NGF function (PMID: 30296891). In summary, the available evidence is currently insufficient to determine the role of this variant in disease. Therefore, it has been classified as a Variant of Uncertain Significance.

Literature cited by the submitters: PubMed 30296891 (cited by Labcorp Genetics (formerly Invitae), Labcorp).

NM_002506.3(NGF):c.361C>T (p.Arg121Trp)

Genes: NGF (nerve growth factor; minus strand), NGF-AS1 (NGF antisense RNA 1; plus strand). Cytogenetic location: 1p13.2.
Variant type: single nucleotide variant.
Coding change: c.361C>T on transcript NM_002506.3 (MANE Select); coding-DNA position 361, C replaced by T.
Protein change: p.Arg121Trp; replaces arginine 121 with tryptophan.
Molecular consequence: missense variant.
Genome position (GRCh38, 1-based): chr1:115,286,435, G>A on the plus strand (C>T on the coding strand, the complement: NGF is on the minus strand). VCF-style: chr1-115286435-G-A. GRCh37 (hg19) VCF-style: chr1-115829056-G-A.
Other names: short protein forms R121W.
Identifiers: ClinVar variation 1403014 (VCV001403014.5), dbSNP rs1272434944, ClinGen allele CA341836718.
Genomic context (GRCh38, chr1:115,286,435, plus strand): 5'-CGCTGACACTGTCACACACCGAGAATTCGCCCCTGTGGAAGATGGGATGGGATGATGACC[G>A]CTTGCTCCTGTGAGTCCTGTTGAAGGGGGCAGCACCACCGACCTCGAAGTCCAGATCCTG-3'
Protein context (NP_002497.2, residues 111-131): APFNRTHRSK[Arg121Trp]SSSHPIFHRG